The following is an entry in ClinVar:

ClinVar aggregate classification (germline): Uncertain significance. Review status: criteria provided, multiple submitters, no conflicts (2 of 4 stars). 3 submissions from 3 submitters: Uncertain significance (3). Last evaluated 2025-08-22.

Conditions:
Inborn genetic diseases. Identifiers: MedGen C0950123, MeSH D030342.

Allele frequency attached by ClinVar (database versions not stated): gnomAD 0.00011; TOPMed 0.00012; ExAC 0.00017; gnomAD exomes 0.00029; ESP Exome Variant Server 0.00046.
gnomAD v4.1: 433 of 1,613,856 alleles (0.027%); highest among the groups gnomAD compares: Non-Finnish European, 0.035%; no homozygotes.

Submissions (3):

Ambry Genetics
Classification: Uncertain significance for Inborn genetic diseases. Last evaluated: 2025-08-22. Review status: criteria provided, single submitter. Criteria: Ambry Variant Classification Scheme 2023. Collection method: clinical testing. Allele origin: germline.

CeGaT Center for Human Genetics Tuebingen
Classification: Uncertain significance. Last evaluated: 2023-03-01. Review status: criteria provided, single submitter. Criteria: CeGaT Center For Human Genetics Tuebingen Variant Classification Criteria Version 2. Collection method: clinical testing. Allele origin: germline. Affected: yes. Observed: 1 variant allele.
Comment: TRAK1: PM2

Blueprint Genetics
Classification: Uncertain significance. Last evaluated: 2020-09-08. Review status: criteria provided, single submitter. Criteria: ACMG Guidelines, 2015. Collection method: clinical testing. Allele origin: germline.

NM_001042646.3(TRAK1):c.494G>A (p.Arg165Gln)

Gene: TRAK1 (trafficking kinesin protein 1; plus strand). Cytogenetic location: 3p22.1.
Variant type: single nucleotide variant.
Coding change: c.494G>A on transcript NM_001042646.3 (MANE Select); coding-DNA position 494, G replaced by A.
Protein change: p.Arg165Gln; replaces arginine 165 with glutamine.
Molecular consequence: missense variant. On other transcripts: non-coding transcript variant (1).
Genome position (GRCh38, 1-based): chr3:42,188,058, G>A. VCF-style: chr3-42188058-G-A. GRCh37 (hg19) VCF-style: chr3-42229550-G-A.
Other names: c.494G>A, p.Arg165Gln (NM_001265608.2, NM_001349246.2, NM_001349247.2); c.272G>A, p.Arg91Gln (NM_001265609.2, NM_001265610.1, NM_001349248.1 and 1 more transcripts); c.182G>A, p.Arg61Gln (NM_001349245.1); c.320G>A, p.Arg107Gln (NM_001410741.1, NM_014965.5); c.494G>A (NM_001042646.1); short protein forms R107Q, R165Q, R61Q, R91Q.
Identifiers: ClinVar variation 2498928 (VCV002498928.30), dbSNP rs139582244, ClinGen allele CA2333144.